The following is an entry in ClinVar:

ClinVar aggregate classification (germline): Uncertain significance. Review status: criteria provided, multiple submitters, no conflicts (2 of 4 stars). 2 submissions from 2 submitters: Uncertain significance (2). Last evaluated 2024-02-27.

Conditions:
Hereditary cancer-predisposing syndrome. Also called: Hereditary neoplastic syndrome; Neoplastic Syndromes, Hereditary; Tumor predisposition; Hereditary Cancer Syndrome. Identifiers: Orphanet 140162, MedGen C0027672, MeSH D009386, MONDO:0015356.
DICER1-related tumor predisposition. Also called: DICER1-related pleuropulmonary blastoma cancer predisposition syndrome; DICER1 syndrome. Identifiers: Orphanet 284343, MedGen C3839822, MONDO:0100216.

Allele frequency attached by ClinVar (database versions not stated): gnomAD exomes below 0.00001; TOPMed 0.00001.
gnomAD v4.1: 1 of 1,614,198 alleles (0.000062%); highest among the groups gnomAD compares: Non-Finnish European, 0.000085%; no homozygotes.

Submissions (2):

Ambry Genetics
Classification: Uncertain significance for Hereditary cancer-predisposing syndrome. Last evaluated: 2024-02-27. Review status: criteria provided, single submitter. Criteria: Ambry Variant Classification Scheme 2023. Collection method: clinical testing. Allele origin: germline.
Comment: The p.D1266H variant (also known as c.3796G>C), located in coding exon 20 of the DICER1 gene, results from a G to C substitution at nucleotide position 3796. The aspartic acid at codon 1266 is replaced by histidine, an amino acid with similar properties. This amino acid position is poorly conserved in available vertebrate species. In addition, this alteration is predicted to be tolerated by in silico analysis. Since supporting evidence is limited at this time, the clinical significance of this alteration remains unclear.

Labcorp Genetics (formerly Invitae), Labcorp
Classification: Uncertain significance for DICER1-related tumor predisposition. Last evaluated: 2022-11-10. Review status: criteria provided, single submitter. Criteria: Invitae Variant Classification Sherloc (09022015). Collection method: clinical testing. Allele origin: germline.
Comment: This sequence change replaces aspartic acid, which is acidic and polar, with histidine, which is basic and polar, at codon 1266 of the DICER1 protein (p.Asp1266His). In summary, the available evidence is currently insufficient to determine the role of this variant in disease. Therefore, it has been classified as a Variant of Uncertain Significance. Algorithms developed to predict the effect of missense changes on protein structure and function (SIFT, PolyPhen-2, Align-GVGD) all suggest that this variant is likely to be tolerated. ClinVar contains an entry for this variant (Variation ID: 412175). This variant has not been reported in the literature in individuals affected with DICER1-related conditions. This variant is not present in population databases (gnomAD no frequency).

NM_177438.3(DICER1):c.3796G>C (p.Asp1266His)

Gene: DICER1 (dicer 1, ribonuclease III; minus strand). Cytogenetic location: 14q32.13.
Variant type: single nucleotide variant.
Coding change: c.3796G>C on transcript NM_177438.3 (MANE Select); coding-DNA position 3796, G replaced by C.
Protein change: p.Asp1266His; replaces aspartic acid 1266 with histidine.
Molecular consequence: missense variant.
Genome position (GRCh38, 1-based): chr14:95,103,600, C>G on the plus strand (G>C on the coding strand, the complement: DICER1 is on the minus strand). VCF-style: chr14-95103600-C-G. GRCh37 (hg19) VCF-style: chr14-95569937-C-G.
Other names: c.3796G>C, p.Asp1266His (NM_001195573.1, NM_001271282.3, NM_001291628.2 and 1 more transcripts); short protein forms D1266H.
Identifiers: ClinVar variation 412175 (VCV000412175.14), dbSNP rs1060503654, ClinGen allele CA16614324.
Genomic context (GRCh38, chr14:95,103,600, plus strand): 5'-AGTACCCAATAGAAGGGCTCTGCTCAGAATCCATCCTGCCCTTGAGCACTTGAATAGTGT[C>G]TGTCGTACCAGGCATTACGGCCATCACAGGACTTCCATCTGAGGTAGATTTGTTAGCATT-3'
Protein context (NP_803187.1, residues 1256-1276): PVMAVMPGTT[Asp1266His]TIQVLKGRMD